The following is an entry in ClinVar:

ClinVar aggregate classification (germline): Uncertain significance. Review status: criteria provided, multiple submitters, no conflicts (2 of 4 stars). 2 submissions from 2 submitters: Uncertain significance (2). Last evaluated 2024-11-04.

Conditions:
Inborn genetic diseases. Identifiers: MedGen C0950123, MeSH D030342.
Early Myoclonic Encephalopathy. Identifiers: MedGen C0270855.

Allele frequency attached by ClinVar (database versions not stated): TOPMed below 0.00001; ExAC 0.00001; gnomAD exomes 0.00001.
gnomAD v4.1: 6 of 1,602,130 alleles (0.00037%); highest among the groups gnomAD compares: South Asian, 0.0011%; no homozygotes.

Submissions (2):

Ambry Genetics
Classification: Uncertain significance for Inborn genetic diseases. Last evaluated: 2024-11-04. Review status: criteria provided, single submitter. Criteria: Ambry Variant Classification Scheme 2023. Collection method: clinical testing. Allele origin: germline.

Labcorp Genetics (formerly Invitae), Labcorp
Classification: Uncertain significance for Early Myoclonic Encephalopathy. Last evaluated: 2022-01-28. Review status: criteria provided, single submitter. Criteria: Invitae Variant Classification Sherloc (09022015). Collection method: clinical testing. Allele origin: germline.
Comment: ClinVar contains an entry for this variant (Variation ID: 859284). Advanced modeling of protein sequence and biophysical properties (such as structural, functional, and spatial information, amino acid conservation, physicochemical variation, residue mobility, and thermodynamic stability) performed at Invitae indicates that this missense variant is not expected to disrupt KCND2 protein function. In summary, the available evidence is currently insufficient to determine the role of this variant in disease. Therefore, it has been classified as a Variant of Uncertain Significance. This variant has not been reported in the literature in individuals affected with KCND2-related conditions. This sequence change replaces serine, which is neutral and polar, with threonine, which is neutral and polar, at codon 352 of the KCND2 protein (p.Ser352Thr). This variant is present in population databases (rs765958038, gnomAD 0.002%).

NM_012281.3(KCND2):c.1055G>C (p.Ser352Thr)

Gene: KCND2 (potassium voltage-gated channel subfamily D member 2; plus strand). Cytogenetic location: 7q31.31.
Variant type: single nucleotide variant.
Coding change: c.1055G>C on transcript NM_012281.3 (MANE Select); coding-DNA position 1055, G replaced by C.
Protein change: p.Ser352Thr; replaces serine 352 with threonine.
Molecular consequence: missense variant.
Genome position (GRCh38, 1-based): chr7:120,275,687, G>C. VCF-style: chr7-120275687-G-C. GRCh37 (hg19) VCF-style: chr7-119915741-G-C.
Other names: short protein forms S352T.
Identifiers: ClinVar variation 859284 (VCV000859284.12), dbSNP rs765958038, ClinGen allele CA4453571.